The following is an entry in ClinVar:

ClinVar aggregate classification (germline): Pathogenic (1 of 4 stars; one submission).

Conditions:
Bethlem myopathy 1A. Also called: MYOPATHY, BENIGN CONGENITAL, WITH CONTRACTURES; Bethlem Muscular Dystrophy; Bethlem myopathy 1. Identifiers: Orphanet 610, MedGen CN029274, MONDO:0024530, OMIM 158810.

Submission:

Labcorp Genetics (formerly Invitae), Labcorp
Classification: Pathogenic for Bethlem myopathy 1A. Last evaluated: 2020-01-09. Review status: criteria provided, single submitter. Criteria: Invitae Variant Classification Sherloc (09022015). Collection method: clinical testing. Allele origin: germline.
Comment: For these reasons, this variant has been classified as Pathogenic. Deletion of exon 11 has been observed in individual(s) with clinical features of type VI collagenopathy (PMID: 18378883, 24271325, Invitae). It has also been observed to segregate with disease in related individuals. This variant is an in-frame deletion of the genomic region encompassing exon 11 of the COL6A2 gene. It preserves the integrity of the reading frame.

Literature cited by the submitters: PubMed 18378883; PubMed 24271325.

NC_000021.8:g.(?_47536737)_(47537399_?)del

Gene: COL6A2 (collagen type VI alpha 2 chain; plus strand). Cytogenetic location: 21q22.3.
Variant type: Deletion.
Identifiers: ClinVar variation 1455508 (VCV001455508.8).